The following is an entry in ClinVar:

NM_006766.5(KAT6A):c.676G>A (p.Glu226Lys)

Gene: KAT6A (lysine acetyltransferase 6A; minus strand). Cytogenetic location: 8p11.21.
Variant type: single nucleotide variant.
Coding change: c.676G>A on transcript NM_006766.5 (MANE Select); coding-DNA position 676, G replaced by A.
Protein change: p.Glu226Lys; replaces glutamic acid 226 with lysine.
Molecular consequence: missense variant.
Genome position (GRCh38, 1-based): chr8:41,987,488, C>T on the plus strand (G>A on the coding strand, the complement: KAT6A is on the minus strand). VCF-style: chr8-41987488-C-T. GRCh37 (hg19) VCF-style: chr8-41845006-C-T.
Other names: c.676G>A, p.Glu226Lys (NM_001305878.2); short protein forms E226K.
Identifiers: ClinVar variation 4849661 (VCV004849661.1).

ClinVar aggregate classification (germline): Uncertain significance (1 of 4 stars; one submission).

Conditions:
Autosomal dominant intellectual disability-craniofacial anomalies-cardiac defects syndrome (ARTHS). Also called: Mental retardation, autosomal dominant 32; Arboleda-Tham syndrome; KAT6A syndrome. Identifiers: Orphanet 457193, MedGen C4225396, MONDO:0014558, OMIM 616268.

gnomAD v4.1: 2 of 1,612,648 alleles (0.00012%); highest among the groups gnomAD compares: Non-Finnish European, 0.000085%; no homozygotes.

Submission:

Institute of Immunology and Genetics Kaiserslautern
Classification: Uncertain significance for Autosomal dominant intellectual disability-craniofacial anomalies-cardiac defects syndrome. Last evaluated: 2026-03-27. Review status: criteria provided, single submitter. Criteria: ACMG Guidelines, 2015. Collection method: clinical testing. Allele origin: germline. Affected: yes.
Comment: ACMG Criteria: PM2_P, PM6; Variant was found in heterozygous state. Father was not available.